The following is an entry in ClinVar:

ClinVar aggregate classification (germline): Likely benign (0 of 4 stars; one submission).

Conditions:
BMP6-related disorder. Also called: BMP6-related condition.

Allele frequency attached by ClinVar (database versions not stated): TOPMed 0.00001; gnomAD 0.00002; ExAC 0.00004; 1000 Genomes Project 30x 0.00016; 1000 Genomes Project 0.00020.
gnomAD v4.1: 24 of 1,596,094 alleles (0.0015%); highest among the groups gnomAD compares: East Asian, 0.047%; no homozygotes.

Submission:

PreventionGenetics, part of Exact Sciences
Classification: Likely benign for BMP6-related condition. Last evaluated: 2019-08-20. Review status: no assertion criteria provided. Collection method: clinical testing. Allele origin: germline.
Comment: This variant is classified as likely benign based on ACMG/AMP sequence variant interpretation guidelines (Richards et al. 2015 PMID: 25741868, with internal and published modifications).

NM_001718.6(BMP6):c.567C>T (p.Ala189=)

Gene: BMP6 (bone morphogenetic protein 6; plus strand). Cytogenetic location: 6p24.3.
Variant type: single nucleotide variant.
Coding change: c.567C>T on transcript NM_001718.6 (MANE Select); coding-DNA position 567, C replaced by T.
Protein change: p.Ala189=; no amino-acid change (alanine 189 retained).
Molecular consequence: synonymous variant.
Genome position (GRCh38, 1-based): chr6:7,727,522, C>T. VCF-style: chr6-7727522-C-T. GRCh37 (hg19) VCF-style: chr6-7727755-C-T.
Identifiers: ClinVar variation 3053296 (VCV003053296.2), dbSNP rs533077681, ClinGen allele CA3628616.